The following is an entry in ClinVar:

ClinVar aggregate classification (germline): Likely pathogenic. Review status: criteria provided, multiple submitters, no conflicts (2 of 4 stars). 3 submissions from 3 submitters: Likely pathogenic (3). Last evaluated 2024-07-25.

Conditions:
SERPING1-related disorder. Also called: SERPING1-related condition.
Hereditary angioedema type 1 (HAE1). Identifiers: Orphanet 100050, Orphanet 100051, Orphanet 91378, MedGen C2717906, MONDO:0015053, OMIM 106100.

Submissions (3):

DNA-diagnostics Laboratory, Research Centre For Medical Genetics
Classification: Likely pathogenic for Hereditary angioedema type 1. Last evaluated: 2024-07-25. Review status: criteria provided, single submitter. Criteria: ACMG Guidelines, 2015. Collection method: research. Allele origin: germline. Inheritance: Autosomal dominant inheritance. Affected: yes. Observed: 3 variant alleles, 3 heterozygotes. Clinical features observed: Angioedema (HP:0100665).
Comment: The pathogenic or likely pathogenic SERPING1 gene variants are detected in >90% of the HAE1/2 families and in >80% of the total HAE families (e.g., DOI: 10.1016/j.molimm.2008.05.007, 10.1159/2F000138883, 10.1016/j.molimm.2011.07.010). In our study, the heterozygous c.1193T>C (p.Leu398Pro) variant in SERPING1 was observed in 1 HAE1 patient with an unknown family history and in 1 HAE family with an unknown C1 esterase inhibitor level. The same variant has previously been reported in 1 family HAE case and 2 HAE1/2 patient (DOI: 10.1159/000138883, 10.1016/j.gene.2018.05.029, 10.1002/humu.23917). Such in silico algorithms as BayesDel, MutPred, REVEL support a deleterious effect of the c.1193T>C variant with Moderate evidence of pathogenicity, when choosing at least two identical assessments and using the threshold ranges from ClinGen recommendations (DOI: 10.1016/j.ajhg.2022.10.013). In summary, the c.1193T>C variant in SERPING1 meets ACMG/ClinGen SVI guidance criteria to be classified as likely pathogenic: PS4_Mod, PP3_Mod, PP4_Mod, PM2_Sup

Institute of Human Genetics, University of Leipzig Medical Center
Classification: Likely pathogenic for Hereditary angioedema type 1. Last evaluated: 2020-01-03. Review status: criteria provided, single submitter. Criteria: ACMG Guidelines, 2015. Collection method: clinical testing. Allele origin: germline. Affected: yes. Observed: 1 variant allele.

Blueprint Genetics
Classification: Likely pathogenic for SERPING1-related disorders. Last evaluated: 2019-03-17. Review status: criteria provided, single submitter. Criteria: ACMG Guidelines, 2015. Collection method: clinical testing. Allele origin: germline. Affected: yes. Observed: 1 variant allele.

Literature cited by the submitters: DOI 10.1159/000138883 (cited by DNA-diagnostics Laboratory, Research Centre For Medical Genetics); DOI 10.1016/j.gene.2018.05.029 (cited by DNA-diagnostics Laboratory, Research Centre For Medical Genetics); DOI 10.1002/humu.23917 (cited by DNA-diagnostics Laboratory, Research Centre For Medical Genetics).

NM_000062.3(SERPING1):c.1193T>C (p.Leu398Pro)

Gene: SERPING1 (serpin family G member 1; plus strand). Cytogenetic location: 11q12.1.
Variant type: single nucleotide variant.
Coding change: c.1193T>C on transcript NM_000062.3 (MANE Select); coding-DNA position 1193, T replaced by C.
Protein change: p.Leu398Pro; replaces leucine 398 with proline.
Molecular consequence: missense variant.
Genome position (GRCh38, 1-based): chr11:57,611,880, T>C. VCF-style: chr11-57611880-T-C. GRCh37 (hg19) VCF-style: chr11-57379353-T-C.
Other names: c.1193T>C, p.Leu398Pro (NM_001032295.2); short protein forms L398P.
Identifiers: ClinVar variation 976258 (VCV000976258.5), dbSNP rs1945480328, ClinGen allele CA380703333.
Genomic context (GRCh38, chr11:57,611,880, plus strand): 5'-TTTTCAAGGCCATCATGGAGAAACTGGAGATGTCCAAGTTCCAGCCCACTCTCCTAACAC[T>C]ACCCCGCATCAAAGTGACGACCAGCCAGGATATGCTCTCAATCATGGAGAAATTGGGTGA-3'
Protein context (NP_000053.2, residues 388-408): MSKFQPTLLT[Leu398Pro]PRIKVTTSQD